The following is an entry in ClinVar:

NM_000057.4(BLM):c.3944_3945delinsCT (p.Leu1315Pro)

Gene: BLM (BLM RecQ like helicase; plus strand). Cytogenetic location: 15q26.1.
Variant type: Indel.
Coding change: c.3944_3945delinsCT on transcript NM_000057.4 (MANE Select); coding-DNA positions 3944 to 3945, TC replaced by CT.
Protein change: p.Leu1315Pro; replaces leucine 1315 with proline.
Molecular consequence: missense variant.
Genome position (GRCh38, 1-based): chr15:90,811,274-90,811,275, TC replaced by CT. VCF-style: chr15-90811274-TC-CT. GRCh37 (hg19) VCF-style: chr15-91354504-TC-CT.
Other names: c.3944_3945delinsCT, p.Leu1315Pro (NM_001287246.2); c.3551_3552delinsCT, p.Leu1184Pro (NM_001287247.2); c.2819_2820delinsCT, p.Leu940Pro (NM_001287248.2); c.3944_3945delTCinsCT (NM_000057.2); short protein forms L1184P, L1315P, L940P.
Identifiers: ClinVar variation 573831 (VCV000573831.10), dbSNP rs1567066844, ClinGen allele CA891843636.

ClinVar aggregate classification (germline): Uncertain significance. Review status: criteria provided, multiple submitters, no conflicts (2 of 4 stars). 2 submissions from 2 submitters: Uncertain significance (2). Last evaluated 2025-02-17.

Conditions:
Bloom syndrome (BLM). Also called: Bloom-Torre-Machacek syndrome. Identifiers: Orphanet 125, MedGen C0005859, MONDO:0008876, OMIM 210900.
Hereditary cancer-predisposing syndrome. Also called: Neoplastic Syndromes, Hereditary; Hereditary Cancer Syndrome; Tumor predisposition; Hereditary neoplastic syndrome. Identifiers: Orphanet 140162, MedGen C0027672, MeSH D009386, MONDO:0015356.

Submissions (2):

Labcorp Genetics (formerly Invitae), Labcorp
Classification: Uncertain significance for Bloom syndrome. Last evaluated: 2025-02-17. Review status: criteria provided, single submitter. Criteria: Invitae Variant Classification Sherloc (09022015). Collection method: clinical testing. Allele origin: germline.
Comment: This sequence change replaces leucine, which is neutral and non-polar, with proline, which is neutral and non-polar, at codon 1315 of the BLM protein (p.Leu1315Pro). Information on the frequency of this variant in the gnomAD database is not available, as this variant may be reported differently in the database. This variant has not been reported in the literature in individuals affected with BLM-related conditions. ClinVar contains an entry for this variant (Variation ID: 573831). An algorithm developed to predict the effect of missense changes on protein structure and function outputs the following: PolyPhen-2: "Benign". The proline amino acid residue is found in multiple mammalian species, which suggests that this missense change does not adversely affect protein function. In summary, the available evidence is currently insufficient to determine the role of this variant in disease. Therefore, it has been classified as a Variant of Uncertain Significance.

Ambry Genetics
Classification: Uncertain significance for Hereditary cancer-predisposing syndrome. Last evaluated: 2022-12-05. Review status: criteria provided, single submitter. Criteria: Ambry Variant Classification Scheme 2023. Collection method: clinical testing. Allele origin: germline.
Comment: The c.3944_3945delTCinsCT variant (also known as p.L1315P), located in coding exon 20 of the BLM gene, results from an in-frame deletion of TC and insertion of CT at nucleotide positions 3944 to 3945. This results in the substitution of the leucine residue for a proline residue at codon 1315, an amino acid with similar properties. This amino acid position is poorly conserved in available vertebrate species. In addition, this alteration is predicted to be neutral by in silico analysis (Choi Y et al. PLoS ONE. 2012; 7(10):e46688). Since supporting evidence is limited at this time, the clinical significance of this alteration remains unclear.